The following is an entry in ClinVar:

ClinVar aggregate classification (germline): Uncertain significance (1 of 4 stars; one submission).

Submission:

Women's Health and Genetics/Laboratory Corporation of America, LabCorp
Classification: Uncertain significance. Last evaluated: 2026-02-18. Review status: criteria provided, single submitter. Criteria: LabCorp Variant Classification Summary - May 2015. Collection method: clinical testing. Allele origin: germline.
Comment: Variant summary: ALPL c.1019A>G (p.His340Arg) results in a non-conservative amino acid change in the encoded protein sequence. Algorithms developed to predict the effect of missense changes on protein structure and function all suggest that this variant is likely to be disruptive. The variant was absent in 251358 control chromosomes. The available data on variant occurrences in the general population are insufficient to allow any conclusion about variant significance. To our knowledge, no occurrence of c.1019A>G in individuals affected with ALPL-related conditions and no experimental evidence demonstrating its impact on protein function have been reported. No submitters have cited clinical-significance assessments for this variant to ClinVar. Based on the evidence outlined above, the variant was classified as uncertain significance.

NM_000478.6(ALPL):c.1019A>G (p.His340Arg)

Gene: ALPL (alkaline phosphatase, biomineralization associated; plus strand). Cytogenetic location: 1p36.12.
Variant type: single nucleotide variant.
Coding change: c.1019A>G on transcript NM_000478.6 (MANE Select); coding-DNA position 1019, A replaced by G.
Protein change: p.His340Arg; replaces histidine 340 with arginine.
Molecular consequence: missense variant.
Genome position (GRCh38, 1-based): chr1:21,575,754, A>G. VCF-style: chr1-21575754-A-G. GRCh37 (hg19) VCF-style: chr1-21902247-A-G.
Other names: c.854A>G, p.His285Arg (NM_001127501.4); c.788A>G, p.His263Arg (NM_001177520.3); c.1019A>G, p.His340Arg (NM_001369803.2, NM_001369804.2, NM_001369805.2); short protein forms H263R, H285R, H340R.
Identifiers: ClinVar variation 4848258 (VCV004848258.1).
Genomic context (GRCh38, chr1:21,575,754, plus strand): 5'-CCTCCTCCCTCACCGAGGCCTTTGCCTTGGTGTCCCAAGGAGGCAGAATTGACCACGGGC[A>G]CCATGAAGGAAAAGCCAAGCAGGCCCTGCATGAGGCGGTGGAGATGGACCGGGCCATCGG-3'
Protein context (NP_000469.3, residues 330-350): LVEGGRIDHG[His340Arg]HEGKAKQALH